The following is an entry in ClinVar:

NM_005257.6(GATA6):c.442T>C (p.Tyr148His)

Gene: GATA6 (GATA binding protein 6; plus strand). Cytogenetic location: 18q11.2.
Variant type: single nucleotide variant.
Coding change: c.442T>C on transcript NM_005257.6 (MANE Select); coding-DNA position 442, T replaced by C.
Protein change: p.Tyr148His; replaces tyrosine 148 with histidine.
Molecular consequence: missense variant.
Genome position (GRCh38, 1-based): chr18:22,171,586, T>C. VCF-style: chr18-22171586-T-C. GRCh37 (hg19) VCF-style: chr18-19751547-T-C.
Other names: short protein forms Y148H.
Identifiers: ClinVar variation 3372681 (VCV003372681.1).

ClinVar aggregate classification (germline): Uncertain significance (1 of 4 stars; one submission).

Submission:

GeneDx
Classification: Uncertain significance. Last evaluated: 2024-04-19. Review status: criteria provided, single submitter. Criteria: GeneDx Variant Classification Process June 2021. Collection method: clinical testing. Allele origin: germline. Affected: yes.
Comment: Not observed at significant frequency in large population cohorts (gnomAD); In silico analysis supports that this missense variant has a deleterious effect on protein structure/function; Has not been previously published as pathogenic or benign to our knowledge